The following is an entry in ClinVar:

NM_015557.3(CHD5):c.3263-3C>A

Gene: CHD5 (chromodomain helicase DNA binding protein 5; minus strand). Cytogenetic location: 1p36.31.
Variant type: single nucleotide variant.
Coding change: c.3263-3C>A on transcript NM_015557.3 (MANE Select); 3 bases into the intron before coding-DNA position 3263, C replaced by A.
Molecular consequence: intron variant.
Genome position (GRCh38, 1-based): chr1:6,130,331, G>T on the plus strand (C>A on the coding strand, the complement: CHD5 is on the minus strand). VCF-style: chr1-6130331-G-T. GRCh37 (hg19) VCF-style: chr1-6190391-G-T.
Identifiers: ClinVar variation 5000671 (VCV005000671.1).

ClinVar aggregate classification (germline): Uncertain significance (1 of 4 stars; one submission).

Conditions:
CHD5-related disorder. Also called: CHD5-related condition.

Submission:

PreventionGenetics, part of Exact Sciences
Classification: Uncertain significance for CHD5-related condition. Last evaluated: 2025-03-15. Review status: criteria provided, single submitter. Criteria: ACMG Guidelines, 2015. Collection method: clinical testing. Allele origin: germline.
Comment: The CHD5 c.3263-3C>A variant is predicted to interfere with splicing. To our knowledge, this variant has not been reported in the literature or in a large population database (gnomAD), indicating this variant is rare. At this time, the clinical significance of this variant is uncertain due to the absence of conclusive functional and genetic evidence.